The following is an entry in ClinVar:

NM_014855.3(AP5Z1):c.857_866del (p.Leu286fs)

Gene: AP5Z1 (adaptor related protein complex 5 subunit zeta 1; plus strand). Cytogenetic location: 7p22.1.
Variant type: Deletion.
Coding change: c.857_866del on transcript NM_014855.3 (MANE Select); coding-DNA positions 857 to 866, 10 bases deleted (TGCTGCCGCC; older notation c.857_866delTGCTGCCGCC).
Protein change: p.Leu286fs; shifts the reading frame from leucine 286.
Molecular consequence: frameshift variant. On other transcripts: non-coding transcript variant (1).
Genome position (GRCh38, 1-based): chr7:4,784,974-4,784,983, TGCTGCCGCC deleted; deleting any 10 consecutive bases within chr7:4,784,968-4,784,983 gives the same sequence; the c. name uses the placement nearest the transcript's 3' end. VCF-style (leftmost placement, unchanged base first): chr7-4784967-GGCCGCCTGCT-G. GRCh37 (hg19) VCF-style: chr7-4824598-GGCCGCCTGCT-G.
Other names: NC_000007.13:g.4824605_4824614del; NP_055670.1:p.(Leu286ProfsTer25); c.389_398del, p.Leu130fs (NM_001364858.1); short protein forms L130fs, L286fs.
Identifiers: ClinVar variation 3777712 (VCV003777712.1).

ClinVar aggregate classification (germline): Likely pathogenic (1 of 4 stars; one submission).

Conditions:
Macular dystrophy with or without extraocular features.

Submission:

Ophthalmic Genetics Group, Institute of Molecular and Clinical Ophthalmology Basel
Classification: Likely pathogenic for Macular dystrophy with or without extraocular features. Last evaluated: 2024-12-17. Review status: criteria provided, single submitter. Criteria: ACMG Guidelines, 2015. Collection method: research. Allele origin: germline. Affected: yes. Observed: 1 variant allele.
Comment: This frameshift deletion introduces a premature termination codon and likely results in nonsense-mediated mRNA decay. This variant is not present in gnomAD v2.1.1. Therefore, it was classified as Likely pathogenic based on ACMG criteria: PVS1_vstrong, PM2_mod.

Literature cited by the submitters: PubMed 40081374.